The following is an entry in ClinVar:

NM_017646.6(TRIT1):c.1276AGA[2] (p.Arg428del)

Gene: TRIT1 (tRNA isopentenyltransferase 1; minus strand). Cytogenetic location: 1p34.2.
Variant type: Microsatellite.
Coding change: c.1276AGA[2] on transcript NM_017646.6 (MANE Select); two copies in a row of the 3-base unit AGA starting at c.1276; the reference has three copies in a row; one copy, 3 bases deleted.
Protein change: p.Arg428del; deletes arginine 428.
Molecular consequence: inframe deletion. On other transcripts: inframe indel (2).
Genome position (GRCh38, 1-based): chr1:39,841,864-39,841,866, TCT deleted on the plus strand (AGA on the coding strand, the reverse complement: TRIT1 is on the minus strand); deleting any 3 consecutive bases within chr1:39,841,864-39,841,873 gives the same sequence; the position shown is the placement nearest the transcript's 3' end. VCF-style (leftmost placement, unchanged base first): chr1-39841863-ATCT-A. GRCh37 (hg19) VCF-style: chr1-40307535-ATCT-A.
Other names: c.1282_1284delAGA (NM_017646.4); c.1197_1199AAG[2], p.Arg402del (NM_001312691.2); c.1029_1031AAG[2], p.Arg346del (NM_001312692.2); short protein forms R346del, R402del, R428del.
Identifiers: ClinVar variation 3367302 (VCV003367302.2).

ClinVar aggregate classification (germline): Uncertain significance. Review status: criteria provided, multiple submitters, no conflicts (2 of 4 stars). 2 submissions from 2 submitters: Uncertain significance (2). Last evaluated 2024-08-26.

Conditions:
Inborn genetic diseases. Identifiers: MedGen C0950123, MeSH D030342.

Submissions (2):

Ambry Genetics
Classification: Uncertain significance for Inborn genetic diseases. Last evaluated: 2024-08-26. Review status: criteria provided, single submitter. Criteria: Ambry Variant Classification Scheme 2023. Collection method: clinical testing. Allele origin: germline.
Comment: The c.1282_1284delAGA (p.R428del) alteration is located in exon 11 (coding exon 11) of the TRIT1 gene. This alteration consists of an in-frame deletion of 3 nucleotides between nucleotide positions c.1282 and c.1284, resulting in the deletion of 1 residue. Based on insufficient or conflicting evidence, the clinical significance of this alteration remains unclear.

GeneDx
Classification: Uncertain significance. Last evaluated: 2024-01-05. Review status: criteria provided, single submitter. Criteria: GeneDx Variant Classification Process June 2021. Collection method: clinical testing. Allele origin: germline. Affected: yes.
Comment: Not observed at significant frequency in large population cohorts (gnomAD); In-frame deletion of 1 amino acids in a non-repeat region; In silico analysis supports that this variant does not alter protein structure/function; Has not been previously published as pathogenic or benign to our knowledge